The following is an entry in ClinVar:

ClinVar aggregate classification (germline): Uncertain significance (1 of 4 stars; one submission).

Submission:

Labcorp Genetics (formerly Invitae), Labcorp
Classification: Uncertain significance. Last evaluated: 2021-05-18. Review status: criteria provided, single submitter. Criteria: Invitae Variant Classification Sherloc (09022015). Collection method: clinical testing. Allele origin: germline.
Comment: In summary, the available evidence is currently insufficient to determine the role of this variant in disease. Therefore, it has been classified as a Variant of Uncertain Significance. Advanced modeling of protein sequence and biophysical properties (such as structural, functional, and spatial information, amino acid conservation, physicochemical variation, residue mobility, and thermodynamic stability) performed at Invitae indicates that this missense variant is expected to disrupt COL2A1 protein function. This variant has not been reported in the literature in individuals with COL2A1-related conditions. This variant is not present in population databases (ExAC no frequency). This sequence change replaces proline with histidine at codon 434 of the COL2A1 protein (p.Pro434His). The proline residue is highly conserved and there is a moderate physicochemical difference between proline and histidine.

NM_001844.5(COL2A1):c.1301C>A (p.Pro434His)

Gene: COL2A1 (collagen type II alpha 1 chain; minus strand). Cytogenetic location: 12q13.11.
Variant type: single nucleotide variant.
Coding change: c.1301C>A on transcript NM_001844.5 (MANE Select); coding-DNA position 1301, C replaced by A.
Protein change: p.Pro434His; replaces proline 434 with histidine.
Molecular consequence: missense variant.
Genome position (GRCh38, 1-based): chr12:47,987,142, G>T on the plus strand (C>A on the coding strand, the complement: COL2A1 is on the minus strand). VCF-style: chr12-47987142-G-T. GRCh37 (hg19) VCF-style: chr12-48380925-G-T.
Other names: c.1094C>A, p.Pro365His (NM_033150.3); short protein forms P434H, P365H.
Identifiers: ClinVar variation 1369117 (VCV001369117.8), dbSNP rs1939466091, ClinGen allele CA384553947.